The following is an entry in ClinVar:

ClinVar aggregate classification (germline): Uncertain significance (1 of 4 stars; one submission).

Conditions:
Arrhythmogenic cardiomyopathy with wooly hair and keratoderma. Also called: PALMOPLANTAR KERATODERMA WITH LEFT VENTRICULAR CARDIOMYOPATHY AND WOOLLY HAIR; Carvajal syndrome; Dilated cardiomyopathy with woolly hair and keratoderma; Arrhythmogenic cardiomyopathy with woolly hair and keratoderma. Identifiers: Orphanet 65282, MedGen C1854063, MONDO:0011581, OMIM 605676.

Submission:

All of Us Research Program, National Institutes of Health
Classification: Uncertain significance for Arrhythmogenic cardiomyopathy with wooly hair and keratoderma. Last evaluated: 2023-12-01. Review status: criteria provided, single submitter. Criteria: ACMG Guidelines, 2015. Collection method: clinical testing. Allele origin: germline. Inheritance: Autosomal dominant inheritance. Observed: 1 variant allele, 1 heterozygote.
Comment: This study involves interpretation of variants in research participants for the purpose of population health screening. Participant phenotype was not available at the time of variant classification. Additional details can be found in publication PMID: 35346344, PMCID: PMC8962531

NM_004415.4(DSP):c.7981A>T (p.Ile2661Phe)

Gene: DSP (desmoplakin; plus strand). Cytogenetic location: 6p24.3.
Variant type: single nucleotide variant.
Coding change: c.7981A>T on transcript NM_004415.4 (MANE Select); coding-DNA position 7981, A replaced by T.
Protein change: p.Ile2661Phe; replaces isoleucine 2661 with phenylalanine.
Molecular consequence: missense variant.
Genome position (GRCh38, 1-based): chr6:7,585,243, A>T. VCF-style: chr6-7585243-A-T. GRCh37 (hg19) VCF-style: chr6-7585476-A-T.
Other names: c.6184A>T, p.Ile2062Phe (NM_001008844.3); c.6652A>T, p.Ile2218Phe (NM_001319034.2); short protein forms I2062F, I2218F, I2661F.
Identifiers: ClinVar variation 3074180 (VCV003074180.1), dbSNP rs2533948899, ClinGen allele CA362694191.